The following is an entry in ClinVar:

ClinVar aggregate classification (germline): Uncertain significance (1 of 4 stars; one submission).

Submission:

Labcorp Genetics (formerly Invitae), Labcorp
Classification: Uncertain significance. Last evaluated: 2022-09-26. Review status: criteria provided, single submitter. Criteria: Invitae Variant Classification Sherloc (09022015). Collection method: clinical testing. Allele origin: germline.
Comment: This sequence change replaces methionine, which is neutral and non-polar, with isoleucine, which is neutral and non-polar, at codon 628 of the SLC7A14 protein (p.Met628Ile). This variant is not present in population databases (gnomAD no frequency). This variant has not been reported in the literature in individuals affected with SLC7A14-related conditions. ClinVar contains an entry for this variant (Variation ID: 1059275). Algorithms developed to predict the effect of missense changes on protein structure and function are either unavailable or do not agree on the potential impact of this missense change (SIFT: "Tolerated"; PolyPhen-2: "Possibly Damaging"; Align-GVGD: "Class C0"). In summary, the available evidence is currently insufficient to determine the role of this variant in disease. Therefore, it has been classified as a Variant of Uncertain Significance.

NM_020949.3(SLC7A14):c.1884G>T (p.Met628Ile)

Genes: SLC7A14-AS1 (SLC7A14 antisense RNA 1; plus strand), SLC7A14 (solute carrier family 7 member 14; minus strand). Cytogenetic location: 3q26.2.
Variant type: single nucleotide variant.
Coding change: c.1884G>T on transcript NM_020949.3 (MANE Select); coding-DNA position 1884, G replaced by T.
Protein change: p.Met628Ile; replaces methionine 628 with isoleucine.
Molecular consequence: missense variant.
Genome position (GRCh38, 1-based): chr3:170,480,398, C>A on the plus strand (G>T on the coding strand, the complement: SLC7A14 is on the minus strand). VCF-style: chr3-170480398-C-A. GRCh37 (hg19) VCF-style: chr3-170198187-C-A.
Other names: short protein forms M628I.
Identifiers: ClinVar variation 1059275 (VCV001059275.10), dbSNP rs2108268480, ClinGen allele CA355488815.